The following is an entry in ClinVar:

ClinVar aggregate classification (germline): Likely pathogenic (1 of 4 stars; one submission).

Conditions:
Mowat-Wilson syndrome (MOWS). Also called: Classic Mowat-Wilson Syndrome. Identifiers: Orphanet 2152, MedGen C1856113, MONDO:0009341, OMIM 235730.

Submission:

Variantyx, Inc.
Classification: Likely pathogenic for Mowat-Wilson syndrome. Last evaluated: 2025-11-13. Review status: criteria provided, single submitter. Criteria: Variantyx Assertion Criteria 2022. Collection method: clinical testing. Allele origin: germline. Inheritance: Autosomal dominant inheritance. Affected: yes.
Comment: This is a frameshift variant in the ZEB2 gene (OMIM: 605802). Pathogenic variants in this gene have been associated with autosomal dominant Mowat-Wilson syndrome. This variant introduces a premature termination codon in exon 10 out of 10. Multiple affected individuals with variants located downstream from this variant have been reported in the literature (PMID: 12784289, 16053902, 17203459), accordingly, this variant is expected to result in loss of function., which is a known disease mechanism for ZEB2 in this disorder (PMID: 11891681) (PVS1). This variant is absent from control populations (PM2). Based on the current evidence, this variant is classified as likely pathogenic for autosomal dominant Mowat-Wilson syndrome.

Literature cited by the submitters: PubMed 11891681.

NM_014795.4(ZEB2):c.3294del (p.His1100fs)

Gene: ZEB2 (zinc finger E-box binding homeobox 2; minus strand). Cytogenetic location: 2q22.3.
Variant type: Deletion.
Coding change: c.3294del on transcript NM_014795.4 (MANE Select); coding-DNA position 3294, one base deleted (A; older notation c.3294delA).
Protein change: p.His1100fs; shifts the reading frame from histidine 1100.
Molecular consequence: frameshift variant.
Genome position (GRCh38, 1-based): chr2:144,389,802, T deleted on the plus strand (A on the coding strand, the reverse complement: ZEB2 is on the minus strand); the first of 3 consecutive T bases (chr2:144,389,802-144,389,804); deleting any one gives the same sequence. VCF-style (leftmost placement, unchanged base first): chr2-144389801-CT-C. GRCh37 (hg19) VCF-style: chr2-145147368-CT-C.
Other names: c.3222del, p.His1076fs (NM_001171653.2); short protein forms H1076fs, H1100fs.
Identifiers: ClinVar variation 4852158 (VCV004852158.1).
Genomic context (GRCh38, chr2:144,389,801, plus strand): 5'-GAGGGGTAATGCTCTGCAAGTAAGCCCGGTTCATCAGCAGCTCGGTGGGTTCCAAGTGCC[CT>C]TTCTCGCGCGCCTCGCGCTCCGCCGCTTCCCGCTCCTCCGCCTCCCGCTTGCAGTAGGAA-3'